The following is an entry in ClinVar:

ClinVar aggregate classification (germline): Conflicting classifications of pathogenicity. Review status: criteria provided, conflicting classifications (1 of 4 stars). 4 submissions from 4 submitters: Likely pathogenic (1); Uncertain significance (2). 1 of the submissions does not count toward it. Last evaluated 2026-01-17.

Conditions:
Usher syndrome type 2C. Also called: USHER SYNDROME, TYPE IIC; Usher syndrome, type 2B. Identifiers: Orphanet 231178, Orphanet 886, MedGen C2931213, MONDO:0011558, OMIM 605472.

Submissions (4):

Women's Health and Genetics/Laboratory Corporation of America, LabCorp
Classification: Uncertain significance. Last evaluated: 2026-01-17. Review status: criteria provided, single submitter. Criteria: LabCorp Variant Classification Summary - May 2015. Collection method: clinical testing. Allele origin: germline.
Comment: Variant summary: ADGRV1 c.10426G>A (p.Gly3476Arg) results in a non-conservative amino acid change in the encoded protein sequence. Algorithms developed to predict the effect of missense changes on protein structure and function are either unavailable or do not agree on the potential impact of this missense change. Several computational tools predict a significant impact on normal splicing: Two predict the variant weakens a 5' donor site. One predicts the variant abolishes a 5' splicing donor site. Two predict the variant creates a 3' acceptor site. At least one publication reports experimental evidence that this variant affects mRNA splicing, suggesting that this variant is associated with deletion of part of exon 49 (del 210 bp, del aa 3407-3476) (example, Abu-Rayyan_2020), however the biological relevance of this effect could not be determined since transcript pool(s) were not quantified and data was not shown. The variant was absent in 243666 control chromosomes. c.10426G>A has been observed in at least 1 family affected with nonsyndromic deafness (example, Abu-Rayyan_2020), however the segregation of this variant with disease was not specified. These data indicate that the variant may be associated with disease. The following publications have been ascertained in the context of this evaluation (PMID: 32747562, 34744978). ClinVar contains an entry for this variant (Variation ID: 402256). Based on the evidence outlined above, the variant was classified as VUS-possibly pathogenic.

King Laboratory, University of Washington
Classification: Likely pathogenic for Usher syndrome type 2C. Last evaluated: 2020-08-01. Review status: criteria provided, single submitter. Criteria: Abu Rayyan A et al. (Proc Natl Acad Sci U S A 2020). Collection method: research. Allele origin: germline. Affected: yes.
Comment: Analysis of patient-derived RNA indicates that ADGRV1 c.10426+1G>A disrupts the donor splice site of ADGRV1 exon 49, leading to transcriptional loss of 209bp and a premature stop (Abu Rayyan 2020). The variant is homozygous in 3 Palestinian children with moderate to severe hearing loss from 3 different families. The variant is absent from 1300 Palestinian controls and absent from public databases.

Baylor Genetics
Classification: Uncertain significance for Usher syndrome type 2C. Last evaluated: 2018-06-22. Review status: criteria provided, single submitter. Criteria: ACMG Guidelines, 2015. Collection method: clinical testing. Allele origin: maternal. Affected: yes.
Comment: This variant was determined to be of uncertain significance according to ACMG Guidelines, 2015 [PMID:25741868].

Hereditary Research Laboratory, Bethlehem University
Classification: Pathogenic for Usher syndrome type 2C. Last evaluated: 2016-06-04. Review status: no assertion criteria provided. Collection method: research. Allele origin: germline. Affected: yes. Not counted in ClinVar's aggregate classification.
Comment: congenital, moderate to severe

Literature cited by the submitters: PubMed 32747562 (cited by Women's Health and Genetics/Laboratory Corporation of America, LabCorp).

NM_032119.4(ADGRV1):c.10426G>A (p.Gly3476Arg)

Gene: ADGRV1 (adhesion G protein-coupled receptor V1; plus strand). Cytogenetic location: 5q14.3.
Variant type: single nucleotide variant.
Coding change: c.10426G>A on transcript NM_032119.4 (MANE Select); coding-DNA position 10426, G replaced by A.
Protein change: p.Gly3476Arg; replaces glycine 3476 with arginine.
Molecular consequence: missense variant. On other transcripts: non-coding transcript variant (1).
Genome position (GRCh38, 1-based): chr5:90,728,933, G>A. VCF-style: chr5-90728933-G-A. GRCh37 (hg19) VCF-style: chr5-90024750-G-A.
Other names: NM_032119.3:c.10426G>A, p.(Gly3476Arg); short protein forms G3476R.
Identifiers: ClinVar variation 402256 (VCV000402256.6), dbSNP rs1060499795, ClinGen allele CA16609561.